The following is an entry in ClinVar:

NM_002834.5(PTPN11):c.658C>T (p.Arg220Cys)

Gene: PTPN11 (protein tyrosine phosphatase non-receptor type 11; plus strand). Cytogenetic location: 12q24.13.
Variant type: single nucleotide variant.
Coding change: c.658C>T on transcript NM_002834.5 (MANE Select); coding-DNA position 658, C replaced by T.
Protein change: p.Arg220Cys; replaces arginine 220 with cysteine.
Molecular consequence: missense variant.
Genome position (GRCh38, 1-based): chr12:112,455,965, C>T. VCF-style: chr12-112455965-C-T. GRCh37 (hg19) VCF-style: chr12-112893769-C-T.
Other names: c.658C>T, p.Arg220Cys (NM_001330437.2, NM_080601.3); c.655C>T, p.Arg219Cys (NM_001374625.1); short protein forms R219C, R220C.
Identifiers: ClinVar variation 1374480 (VCV001374480.6), dbSNP rs2135872268, ClinGen allele CA386783927.

ClinVar aggregate classification (germline): Uncertain significance (1 of 4 stars; one submission).

Conditions:
RASopathy. Also called: Noonan spectrum disorder; rasopathies. Identifiers: Orphanet 536391, MedGen C5555857, MONDO:0021060.

Allele frequency attached by ClinVar (database versions not stated): gnomAD exomes below 0.00001.
gnomAD v4.1: 3 of 1,606,356 alleles (0.00019%); highest among the groups gnomAD compares: Non-Finnish European, 0.00026%; no homozygotes.

Submission:

Labcorp Genetics (formerly Invitae), Labcorp
Classification: Uncertain significance for RASopathy. Last evaluated: 2021-11-08. Review status: criteria provided, single submitter. Criteria: Invitae Variant Classification Sherloc (09022015). Collection method: clinical testing. Allele origin: germline.
Comment: This sequence change replaces arginine, which is basic and polar, with cysteine, which is neutral and slightly polar, at codon 220 of the PTPN11 protein (p.Arg220Cys). In summary, the available evidence is currently insufficient to determine the role of this variant in disease. Therefore, it has been classified as a Variant of Uncertain Significance. Advanced modeling of protein sequence and biophysical properties (such as structural, functional, and spatial information, amino acid conservation, physicochemical variation, residue mobility, and thermodynamic stability) performed at Invitae indicates that this missense variant is expected to disrupt PTPN11 protein function. This variant has not been reported in the literature in individuals affected with PTPN11-related conditions. This variant is not present in population databases (gnomAD no frequency).